The following is an entry in ClinVar:

ClinVar aggregate classification (germline): Pathogenic/Likely pathogenic. Review status: criteria provided, multiple submitters, no conflicts (2 of 4 stars). 3 submissions from 3 submitters: Pathogenic (2); Likely pathogenic (1). Last evaluated 2024-11-13.

Conditions:
Familial cancer of breast. Also called: hereditary breast carcinoma; BREAST CANCER, FAMILIAL; Hereditary breast cancer. Identifiers: Orphanet 227535, MedGen C0346153, MONDO:0016419, OMIM 114480. Disease mechanism: loss of function.
Fanconi anemia complementation group J. Also called: BRIP1-Related Fanconi Anemia. Identifiers: Orphanet 84, MedGen C1836860, MONDO:0012187, OMIM 609054.
Breast and/or ovarian cancer. Identifiers: MedGen CN221562.
Hereditary cancer-predisposing syndrome. Also called: Tumor predisposition; Hereditary neoplastic syndrome; Neoplastic Syndromes, Hereditary; Hereditary Cancer Syndrome. Identifiers: Orphanet 140162, MedGen C0027672, MeSH D009386, MONDO:0015356.

Submissions (3):

Ambry Genetics
Classification: Pathogenic for Hereditary cancer-predisposing syndrome. Last evaluated: 2024-11-13. Review status: criteria provided, single submitter. Criteria: Ambry Variant Classification Scheme 2023. Collection method: clinical testing. Allele origin: germline.
Comment: The c.637delC pathogenic mutation, located in coding exon 6 of the BRIP1 gene, results from a deletion of one nucleotide at nucleotide position 637, causing a translational frameshift with a predicted alternate stop codon (p.H213Tfs*61). This variant is considered to be rare based on population cohorts in the Genome Aggregation Database (gnomAD). This alteration is expected to result in loss of function by premature protein truncation or nonsense-mediated mRNA decay. As such, this alteration is interpreted as a disease-causing mutation.

Labcorp Genetics (formerly Invitae), Labcorp
Classification: Pathogenic for Familial cancer of breast; Fanconi anemia complementation group J. Last evaluated: 2024-04-25. Review status: criteria provided, single submitter. Criteria: Invitae Variant Classification Sherloc (09022015). Collection method: clinical testing. Allele origin: germline.
Comment: This sequence change creates a premature translational stop signal (p.His213Thrfs*61) in the BRIP1 gene. It is expected to result in an absent or disrupted protein product. Loss-of-function variants in BRIP1 are known to be pathogenic (PMID: 16116423, 17033622, 21964575). This variant is not present in population databases (gnomAD no frequency). This variant has not been reported in the literature in individuals affected with BRIP1-related conditions. For these reasons, this variant has been classified as Pathogenic.

CHEO Genetics Diagnostic Laboratory, Children's Hospital of Eastern Ontario
Classification: Likely pathogenic for Breast and/or ovarian cancer. Last evaluated: 2023-05-01. Review status: criteria provided, single submitter. Criteria: ACMG Guidelines, 2015. Collection method: clinical testing. Allele origin: germline.

Literature cited by the submitters: PubMed 16116423 (cited by Labcorp Genetics (formerly Invitae), Labcorp); PubMed 17033622 (cited by Labcorp Genetics (formerly Invitae), Labcorp); PubMed 21964575 (cited by Labcorp Genetics (formerly Invitae), Labcorp).

NM_032043.3(BRIP1):c.637del (p.His213fs)

Gene: BRIP1 (BRCA1 interacting DNA helicase 1; minus strand). Cytogenetic location: 17q23.2.
Variant type: Deletion.
Coding change: c.637del on transcript NM_032043.3 (MANE Select); coding-DNA position 637, one base deleted (C; older notation c.637delC).
Protein change: p.His213fs; shifts the reading frame from histidine 213.
Molecular consequence: frameshift variant.
Genome position (GRCh38, 1-based): chr17:61,808,748, G deleted on the plus strand (C on the coding strand, the reverse complement: BRIP1 is on the minus strand); the first of 2 consecutive G bases (chr17:61,808,748-61,808,749); deleting either gives the same sequence. VCF-style (leftmost placement, unchanged base first): chr17-61808747-TG-T. GRCh37 (hg19) VCF-style: chr17-59886108-TG-T.
Other names: c.637delC (NM_032043.2); short protein forms H213fs.
Identifiers: ClinVar variation 2691154 (VCV002691154.5), dbSNP rs2545200948, ClinGen allele CA2697555011.